The following is an entry in ClinVar:

ClinVar aggregate classification (germline): Uncertain significance (1 of 4 stars; one submission).

Conditions:
Familial thoracic aortic aneurysm and aortic dissection (TAAD). Also called: Thoracic aortic aneurysms and dissections. Identifiers: Orphanet 91387, MedGen C4707243, MONDO:0019625.

Allele frequency attached by ClinVar (database versions not stated): gnomAD exomes below 0.00001.
gnomAD v4.1: 4 of 1,613,094 alleles (0.00025%); highest among the groups gnomAD compares: Non-Finnish European, 0.00034%; no homozygotes.

Submission:

Color Diagnostics, LLC DBA Color Health
Classification: Uncertain significance for Familial thoracic aortic aneurysm and aortic dissection. Last evaluated: 2019-07-09. Review status: criteria provided, single submitter. Criteria: ACMG Guidelines, 2015. Collection method: clinical testing. Allele origin: germline.
Comment: This variant is located in the splice acceptor region of intron 34 of the COL3A1 gene. Computational splicing tools and conservation analyses are inconclusive regarding the impact of this variant on RNA splicing. To our knowledge, functional assays have not been performed for this variant nor has this variant been reported in individuals affected with cardiovascular disorders in the literature. This variant has not been identified in the general population by the Genome Aggregation Database (gnomAD). Available evidence is insufficient to determine the role of this variant in disease conclusively. Therefore, this variant is classified as a Variant of Uncertain Significance.

NM_000090.4(COL3A1):c.2392-8C>A

Genes: COL3A1 (collagen type III alpha 1 chain; plus strand), LOC126806446 (P300/CBP strongly-dependent group 1 enhancer GRCh37_chr2:189866210-189867409; plus strand). Cytogenetic location: 2q32.2.
Variant type: single nucleotide variant.
Coding change: c.2392-8C>A on transcript NM_000090.4 (MANE Select); 8 bases into the intron before coding-DNA position 2392, C replaced by A.
Molecular consequence: intron variant.
Genome position (GRCh38, 1-based): chr2:189,002,290, C>A. VCF-style: chr2-189002290-C-A. GRCh37 (hg19) VCF-style: chr2-189867016-C-A.
Identifiers: ClinVar variation 924803 (VCV000924803.3), dbSNP rs1688484445, ClinGen allele CA1139657565.